The following is an entry in ClinVar:

ClinVar aggregate classification (germline): Uncertain significance (1 of 4 stars; one submission).

Conditions:
Anterior segment dysgenesis. Also called: Ocular anterior segment dysgenesis. Identifiers: Orphanet 88632, MedGen C1862839, MONDO:0019503, HP:0007700.
Congenital primary aphakia. Also called: Anterior segment dysgenesis 2, multiple subtypes; ANTERIOR SEGMENT DYSGENESIS 2. Identifiers: Orphanet 83461, MedGen C1853230, MONDO:0012456, OMIM 610256.

Submission:

Labcorp Genetics (formerly Invitae), Labcorp
Classification: Uncertain significance for Anterior segment dysgenesis; Congenital primary aphakia. Last evaluated: 2025-07-22. Review status: criteria provided, single submitter. Criteria: Invitae Variant Classification Sherloc (09022015). Collection method: clinical testing. Allele origin: germline.
Comment: This sequence change disrupts the translational stop signal of the FOXE3 mRNA. It is expected to extend the length of the FOXE3 protein by 72 additional amino acid residues. This variant is not present in population databases (gnomAD no frequency). This variant has not been reported in the literature in individuals affected with FOXE3-related conditions. Experimental studies and prediction algorithms are not available or were not evaluated, and the functional significance of this variant is currently unknown. In summary, the available evidence is currently insufficient to determine the role of this variant in disease. Therefore, it has been classified as a Variant of Uncertain Significance.

NM_012186.3(FOXE3):c.960A>G (p.Ter320Trp)

Genes: FOXE3 (forkhead box E3; plus strand), LINC01389 (long independently transcribed non-coding RNA 1389; minus strand). Cytogenetic location: 1p33.
Variant type: single nucleotide variant.
Coding change: c.960A>G on transcript NM_012186.3 (MANE Select); coding-DNA position 960, A replaced by G.
Protein change: p.Ter320Trp.
Molecular consequence: stop lost.
Genome position (GRCh38, 1-based): chr1:47,417,275, A>G. VCF-style: chr1-47417275-A-G. GRCh37 (hg19) VCF-style: chr1-47882947-A-G.
Identifiers: ClinVar variation 4785645 (VCV004785645.1).